The following is an entry in ClinVar:

NM_030957.4(ADAMTS10):c.1603G>A (p.Val535Ile)

Gene: ADAMTS10 (ADAM metallopeptidase with thrombospondin type 1 motif 10; minus strand). Cytogenetic location: 19p13.2.
Variant type: single nucleotide variant.
Coding change: c.1603G>A on transcript NM_030957.4 (MANE Select); coding-DNA position 1603, G replaced by A.
Protein change: p.Val535Ile; replaces valine 535 with isoleucine.
Molecular consequence: missense variant. On other transcripts: synonymous variant (1).
Genome position (GRCh38, 1-based): chr19:8,592,088, C>T on the plus strand (G>A on the coding strand, the complement: ADAMTS10 is on the minus strand). VCF-style: chr19-8592088-C-T. GRCh37 (hg19) VCF-style: chr19-8656972-C-T.
Other names: c.75G>A, p.Gly25= (NM_001282352.2); c.1603G>A (NM_030957.2); short protein forms V535I.
Identifiers: ClinVar variation 1424863 (VCV001424863.7), dbSNP rs369734660, ClinGen allele CA9160420.

ClinVar aggregate classification (germline): Uncertain significance. Review status: criteria provided, multiple submitters, no conflicts (2 of 4 stars). 2 submissions from 2 submitters: Uncertain significance (2). Last evaluated 2024-07-30.

Conditions:
Inborn genetic diseases. Identifiers: MedGen C0950123, MeSH D030342.

Allele frequency attached by ClinVar (database versions not stated): TOPMed 0.00001; ESP Exome Variant Server 0.00008.
gnomAD v4.1: 58 of 1,613,636 alleles (0.0036%); highest among the groups gnomAD compares: Non-Finnish European, 0.0049%; no homozygotes.

Submissions (2):

Labcorp Genetics (formerly Invitae), Labcorp
Classification: Uncertain significance. Last evaluated: 2024-07-30. Review status: criteria provided, single submitter. Criteria: Invitae Variant Classification Sherloc (09022015). Collection method: clinical testing. Allele origin: germline.
Comment: This sequence change replaces valine, which is neutral and non-polar, with isoleucine, which is neutral and non-polar, at codon 535 of the ADAMTS10 protein (p.Val535Ile). This variant is present in population databases (rs369734660, gnomAD 0.006%). This variant has not been reported in the literature in individuals affected with ADAMTS10-related conditions. ClinVar contains an entry for this variant (Variation ID: 1424863). An algorithm developed to predict the effect of missense changes on protein structure and function (PolyPhen-2) suggests that this variant¬†is likely to be tolerated. In summary, the available evidence is currently insufficient to determine the role of this variant in disease. Therefore, it has been classified as a Variant of Uncertain Significance.

Ambry Genetics
Classification: Uncertain significance for Inborn genetic diseases. Last evaluated: 2023-05-31. Review status: criteria provided, single submitter. Criteria: Ambry Variant Classification Scheme 2023. Collection method: clinical testing. Allele origin: germline.